The following is an entry in ClinVar:

ClinVar aggregate classification (germline): Uncertain significance (1 of 4 stars; one submission).

Submission:

Labcorp Genetics (formerly Invitae), Labcorp
Classification: Uncertain significance. Last evaluated: 2022-06-14. Review status: criteria provided, single submitter. Criteria: Invitae Variant Classification Sherloc (09022015). Collection method: clinical testing. Allele origin: germline.
Comment: In summary, the available evidence is currently insufficient to determine the role of this variant in disease. Therefore, it has been classified as a Variant of Uncertain Significance. Algorithms developed to predict the effect of missense changes on protein structure and function are either unavailable or do not agree on the potential impact of this missense change (SIFT: "Tolerated"; PolyPhen-2: "Probably Damaging"; Align-GVGD: "Class C0"). This variant has not been reported in the literature in individuals affected with SIX6-related conditions. This variant is not present in population databases (gnomAD no frequency). This sequence change replaces arginine, which is basic and polar, with leucine, which is neutral and non-polar, at codon 103 of the SIX6 protein (p.Arg103Leu).

NM_007374.3(SIX6):c.308G>T (p.Arg103Leu)

Genes: C14orf39 (chromosome 14 open reading frame 39; minus strand), SIX6 (SIX homeobox 6; plus strand). Cytogenetic location: 14q23.1.
Variant type: single nucleotide variant.
Coding change: c.308G>T on transcript NM_007374.3 (MANE Select); coding-DNA position 308, G replaced by T.
Protein change: p.Arg103Leu; replaces arginine 103 with leucine.
Molecular consequence: missense variant.
Genome position (GRCh38, 1-based): chr14:60,509,706, G>T. VCF-style: chr14-60509706-G-T. GRCh37 (hg19) VCF-style: chr14-60976424-G-T.
Other names: short protein forms R103L.
Identifiers: ClinVar variation 2006087 (VCV002006087.2), dbSNP rs1237413105, ClinGen allele CA390086791.